The following is an entry in ClinVar:

NM_001101.5(ACTB):c.7_8delinsTT (p.Asp3Phe)

Gene: ACTB (actin beta; minus strand). Cytogenetic location: 7p22.1.
Variant type: Indel.
Coding change: c.7_8delinsTT on transcript NM_001101.5 (MANE Select); coding-DNA positions 7 to 8, GA replaced by TT.
Protein change: p.Asp3Phe; replaces aspartic acid 3 with phenylalanine.
Molecular consequence: missense variant.
Genome position (GRCh38, 1-based): chr7:5,529,650-5,529,651, TC replaced by AA on the plus strand (GA replaced by TT on the coding strand, the reverse complement: ACTB is on the minus strand). VCF-style: chr7-5529650-TC-AA. GRCh37 (hg19) VCF-style: chr7-5569281-TC-AA.
Other names: short protein forms D3F.
Identifiers: ClinVar variation 968546 (VCV000968546.6), dbSNP rs1784841235, ClinGen allele CA1139659981.

ClinVar aggregate classification (germline): Likely pathogenic (1 of 4 stars; one submission).

Conditions:
Baraitser-Winter syndrome 1 (BRWS1). Also called: BARAITSER-WINTER SYNDROME 1, ATYPICAL; PACHYGYRIA, MENTAL RETARDATION, EPILEPSY, AND CHARACTERISTIC FACIES; MENTAL RETARDATION WITH EPILEPSY AND CHARACTERISTIC FACIES; Cerebrofrontofacial syndrome. Identifiers: Orphanet 2649, Orphanet 2995, MedGen C1855722, MONDO:0009470, OMIM 243310.

Submission:

Labcorp Genetics (formerly Invitae), Labcorp
Classification: Likely pathogenic for Baraitser-Winter syndrome 1. Last evaluated: 2019-08-07. Review status: criteria provided, single submitter. Criteria: Invitae Variant Classification Sherloc (09022015). Collection method: clinical testing. Allele origin: germline.
Comment: This sequence change replaces aspartic acid with phenylalanine at codon 3 of the ACTB protein (p.Asp3Phe). The aspartic acid residue is moderately conserved and there is a large physicochemical difference between aspartic acid and phenylalanine. This variant is not present in population databases (ExAC no frequency). Algorithms developed to predict the effect of missense changes on protein structure and function are either unavailable or do not agree on the potential impact of this missense change (SIFT: "Deleterious"; PolyPhen-2: "Probably Damaging"; Align-GVGD: "Class C15"). In summary, the currently available evidence indicates that the variant is pathogenic, but additional data are needed to prove that conclusively. Therefore, this variant has been classified as Likely Pathogenic.